The following is an entry in ClinVar:

ClinVar aggregate classification (germline): Uncertain significance (1 of 4 stars; one submission).

Allele frequency attached by ClinVar (database versions not stated): gnomAD exomes below 0.00001; TOPMed below 0.00001.

Submission:

Labcorp Genetics (formerly Invitae), Labcorp
Classification: Uncertain significance. Last evaluated: 2023-06-03. Review status: criteria provided, single submitter. Criteria: Invitae Variant Classification Sherloc (09022015). Collection method: clinical testing. Allele origin: germline.
Comment: In summary, the available evidence is currently insufficient to determine the role of this variant in disease. Therefore, it has been classified as a Variant of Uncertain Significance. This variant has not been reported in the literature in individuals affected with UMOD-related conditions. This variant is present in population databases (no rsID available, gnomAD 0.0009%). This sequence change creates a premature translational stop signal (p.Asn338Serfs*22) in the UMOD gene. It is expected to result in an absent or disrupted protein product. However, the current clinical and genetic evidence is not sufficient to establish whether loss-of-function variants in UMOD cause disease.

NM_003361.4(UMOD):c.1013_1023del (p.Asn338fs)

Gene: UMOD (uromodulin; minus strand). Cytogenetic location: 16p12.3.
Variant type: Deletion.
Coding change: c.1013_1023del on transcript NM_003361.4 (MANE Select); coding-DNA positions 1013 to 1023, 11 bases deleted (ATGACATGAAG).
Protein change: p.Asn338fs; shifts the reading frame from asparagine 338.
Molecular consequence: frameshift variant. On other transcripts: non-coding transcript variant (1).
Genome position (GRCh38, 1-based): chr16:20,346,285-20,346,295, CTTCATGTCAT deleted on the plus strand (ATGACATGAAG on the coding strand, the reverse complement: UMOD is on the minus strand). VCF-style (leftmost placement, unchanged base first): chr16-20346284-CCTTCATGTCAT-C. GRCh37 (hg19) VCF-style: chr16-20357606-CCTTCATGTCAT-C.
Other names: c.1013_1023del, p.Asn338fs (NM_001008389.3, NM_001378232.1, NM_001378233.1 and 3 more transcripts); c.1112_1122del, p.Asn371fs (NM_001278614.2); short protein forms N338fs, N371fs.
Identifiers: ClinVar variation 2763794 (VCV002763794.3), dbSNP rs1308888534, ClinGen allele CA621658628.